The following is an entry in ClinVar:

NM_014028.4(OSTM1):c.402+1G>A

Gene: OSTM1 (osteoclastogenesis associated transmembrane protein 1; minus strand). Cytogenetic location: 6q21.
Variant type: single nucleotide variant.
Coding change: c.402+1G>A on transcript NM_014028.4 (MANE Select); the canonical splice donor site of the intron after coding-DNA position 402, G replaced by A.
Molecular consequence: splice donor variant.
Genome position (GRCh38, 1-based): chr6:108,074,249, C>T on the plus strand (G>A on the coding strand, the complement: OSTM1 is on the minus strand). VCF-style: chr6-108074249-C-T. GRCh37 (hg19) VCF-style: chr6-108395453-C-T.
Identifiers: ClinVar variation 2825542 (VCV002825542.3), dbSNP rs201471142, ClinGen allele CA365330132.
Genomic context (GRCh38, chr6:108,074,249, plus strand): 5'-TACACCCTCCTCCTTTCCCAACTCTCCTGAGCCACAGTCCCGGACGTGGTCCTGTACCCA[C>T]CCCCGCGGCTCGGCTGATGTTGTCCATCTTGCTGACGACCTGTTGGAAGAGGGGGTAGCA-3'

ClinVar aggregate classification (germline): Likely pathogenic (1 of 4 stars; one submission).

Submission:

Labcorp Genetics (formerly Invitae), Labcorp
Classification: Likely pathogenic. Last evaluated: 2022-12-31. Review status: criteria provided, single submitter. Criteria: Invitae Variant Classification Sherloc (09022015). Collection method: clinical testing. Allele origin: germline.
Comment: This sequence change affects a donor splice site in intron 1 of the OSTM1 gene. It is expected to disrupt RNA splicing. Variants that disrupt the donor or acceptor splice site typically lead to a loss of protein function (PMID: 16199547), and loss-of-function variants in OSTM1 are known to be pathogenic (PMID: 12627228, 15108279, 16813530). This variant is not present in population databases (gnomAD no frequency). This variant has not been reported in the literature in individuals affected with OSTM1-related conditions. Algorithms developed to predict the effect of sequence changes on RNA splicing suggest that this variant may disrupt the consensus splice site. In summary, the currently available evidence indicates that the variant is pathogenic, but additional data are needed to prove that conclusively. Therefore, this variant has been classified as Likely Pathogenic.

Literature cited by the submitters: PubMed 16199547; PubMed 12627228; PubMed 15108279; PubMed 16813530.